The following is an entry in ClinVar:

NM_000431.4(MVK):c.1040-4G>A

Gene: MVK (mevalonate kinase; plus strand). Cytogenetic location: 12q24.11.
Variant type: single nucleotide variant.
Coding change: c.1040-4G>A on transcript NM_000431.4 (MANE Select); 4 bases into the intron before coding-DNA position 1040, G replaced by A.
Molecular consequence: intron variant.
Genome position (GRCh38, 1-based): chr12:109,596,422, G>A. VCF-style: chr12-109596422-G-A. GRCh37 (hg19) VCF-style: chr12-110034227-G-A.
Other names: c.1040-4G>A (NM_001114185.3); c.884-4G>A (NM_001301182.2).
Identifiers: ClinVar variation 1159574 (VCV001159574.14), dbSNP rs748756524, ClinGen allele CA6779446.

ClinVar aggregate classification (germline): Conflicting classifications of pathogenicity. Review status: criteria provided, conflicting classifications (1 of 4 stars). 2 submissions from 2 submitters: Uncertain significance (1); Likely benign (1). Last evaluated 2025-12-01.

Conditions:
Hyperimmunoglobulin D with periodic fever (HIDS). Also called: Hyperimmunoglobulinemia D; Hyperimmunoglobulinemia D with periodic fever; HYPERIMMUNOGLOBULINEMIA D AND PERIODIC FEVER SYNDROME. Identifiers: Orphanet 343, MedGen C0398691, MONDO:0009849, OMIM 260920.
Mevalonic aciduria (MEVA). Identifiers: Orphanet 29, MedGen C1959626, MONDO:0012481, OMIM 610377.
Porokeratosis 3, disseminated superficial actinic type (POROK3). Also called: POROKERATOSIS, DISSEMINATED SUPERFICIAL ACTINIC, 1; POROKERATOSIS 3, MULTIPLE TYPES; POROKERATOSIS 3, MIBELLI TYPE. Identifiers: MedGen C1867981, MONDO:0008293, OMIM 175900.

Allele frequency attached by ClinVar (database versions not stated): gnomAD 0.00001; gnomAD exomes 0.00001 and 0.00003; TOPMed 0.00001; ExAC 0.00002.
gnomAD v4.1: 20 of 1,612,730 alleles (0.0012%); highest among the groups gnomAD compares: Admixed American, 0.01%; no homozygotes.

Submissions (2):

CeGaT Center for Human Genetics Tuebingen
Classification: Uncertain significance. Last evaluated: 2025-12-01. Review status: criteria provided, single submitter. Criteria: CeGaT Center For Human Genetics Tuebingen Variant Classification Criteria Version 2. Collection method: clinical testing. Allele origin: germline. Affected: yes. Observed: 1 variant allele.
Comment: MVK: PM2, BP4

Labcorp Genetics (formerly Invitae), Labcorp
Classification: Likely benign for Mevalonic aciduria; Hyperimmunoglobulin D with periodic fever; Porokeratosis 3, disseminated superficial actinic type. Last evaluated: 2025-10-13. Review status: criteria provided, single submitter. Criteria: Invitae Variant Classification Sherloc (09022015). Collection method: clinical testing. Allele origin: germline.